The following is an entry in ClinVar:

NM_006084.5(IRF9):c.307A>G (p.Met103Val)

Gene: IRF9 (interferon regulatory factor 9; plus strand). Cytogenetic location: 14q12.
Variant type: single nucleotide variant.
Coding change: c.307A>G on transcript NM_006084.5 (MANE Select); coding-DNA position 307, A replaced by G.
Protein change: p.Met103Val; replaces methionine 103 with valine.
Molecular consequence: missense variant.
Genome position (GRCh38, 1-based): chr14:24,163,092, A>G. VCF-style: chr14-24163092-A-G. GRCh37 (hg19) VCF-style: chr14-24632301-A-G.
Other names: c.307A>G, p.Met103Val (NM_001385400.1, NM_001385401.1, NM_001385402.1); short protein forms M103V.
Identifiers: ClinVar variation 3677514 (VCV003677514.2).

ClinVar aggregate classification (germline): Uncertain significance (1 of 4 stars; one submission).

Submission:

Labcorp Genetics (formerly Invitae), Labcorp
Classification: Uncertain significance. Last evaluated: 2024-12-23. Review status: criteria provided, single submitter. Criteria: Invitae Variant Classification Sherloc (09022015). Collection method: clinical testing. Allele origin: germline.
Comment: This sequence change replaces methionine, which is neutral and non-polar, with valine, which is neutral and non-polar, at codon 103 of the IRF9 protein (p.Met103Val). This variant is not present in population databases (gnomAD no frequency). This variant has not been reported in the literature in individuals affected with IRF9-related conditions. An algorithm developed to predict the effect of missense changes on protein structure and function (PolyPhen-2) suggests that this variant is likely to be tolerated. In summary, the available evidence is currently insufficient to determine the role of this variant in disease. Therefore, it has been classified as a Variant of Uncertain Significance.